The following is an entry in ClinVar:

NM_003742.4(ABCB11):c.3057-8G>A

Gene: ABCB11 (ATP binding cassette subfamily B member 11; minus strand). Cytogenetic location: 2q31.1.
Variant type: single nucleotide variant.
Coding change: c.3057-8G>A on transcript NM_003742.4 (MANE Select); 8 bases into the intron before coding-DNA position 3057, G replaced by A.
Molecular consequence: intron variant.
Genome position (GRCh38, 1-based): chr2:168,932,541, C>T on the plus strand (G>A on the coding strand, the complement: ABCB11 is on the minus strand). VCF-style: chr2-168932541-C-T. GRCh37 (hg19) VCF-style: chr2-169789051-C-T.
Identifiers: ClinVar variation 4846707 (VCV004846707.1).

ClinVar aggregate classification (germline): Uncertain significance (1 of 4 stars; one submission).

Conditions:
Familial intrahepatic cholestasis. Identifiers: Orphanet 284385, MedGen CN296401, MONDO:0017290.

Submission:

Genomenon, Inc
Classification: Uncertain significance for Familial intrahepatic cholestasis. Last evaluated: 2026-04-14. Review status: criteria provided, single submitter. Criteria: Genomenon Sequence Variant Interpretation Standards - Updated. Collection method: curation. Allele origin: germline. Affected: yes.
Comment: ABCB11 c.3057-8G>A is an intronic variant located in the acceptor splice region of intron 23. This variant has been observed in at least one proband with an ABCB11-related disorder (PMID:21490445). It is absent or not present at a significant frequency in gnomAD. In silico models predict that this variant is possibly or probably damaging. In conclusion, we classify ABCB11 c.3057-8G>A as a variant of uncertain significance.

Literature cited by the submitters: PubMed 21490445.